The following is an entry in ClinVar:

ClinVar aggregate classification (germline): Uncertain significance. Review status: criteria provided, multiple submitters, no conflicts (2 of 4 stars). 3 submissions from 3 submitters: Uncertain significance (3). Last evaluated 2024-02-29.

Conditions:
Imerslund-Grasbeck syndrome type 1 (IGS1). Also called: Megaloblastic anemia 1, Finnish type; Imerslund-Gräsbeck syndrome 1; MEGALOBLASTIC ANEMIA, 1. Identifiers: MedGen C4016819, MONDO:0100156, OMIM 261100.
Imerslund-Grasbeck syndrome. Also called: ENTEROCYTE COBALAMIN MALABSORPTION; ENTEROCYTE INTRINSIC FACTOR RECEPTOR, DEFECT OF; Imerslund-Gräsbeck syndrome; Megaloblastic anemia due to inborn errors of metabolism; PERNICIOUS ANEMIA, JUVENILE, DUE TO SELECTIVE INTESTINAL MALABSORPTION OF VITAMIN B12, WITH PROTEINURIA. Identifiers: Orphanet 35858, MedGen C4551825, MONDO:0009853.
Proteinuria, chronic benign. Identifiers: MedGen C5394384, MONDO:0030042, OMIM 618884.

Allele frequency attached by ClinVar (database versions not stated): ExAC 0.00005.
gnomAD v4.1: 45 of 1,613,308 alleles (0.0028%); highest among the groups gnomAD compares: African/African-American, 0.0094%; 1 homozygote.

Submissions (3):

Fulgent Genetics
Classification: Uncertain significance for Imerslund-Grasbeck syndrome type 1; Proteinuria, chronic benign. Last evaluated: 2024-02-29. Review status: criteria provided, single submitter. Criteria: ACMG Guidelines, 2015. Collection method: clinical testing. Allele origin: germline.

Labcorp Genetics (formerly Invitae), Labcorp
Classification: Uncertain significance for Imerslund-Grasbeck syndrome. Last evaluated: 2022-01-26. Review status: criteria provided, single submitter. Criteria: Invitae Variant Classification Sherloc (09022015). Collection method: clinical testing. Allele origin: germline.
Comment: This sequence change replaces arginine, which is basic and polar, with tryptophan, which is neutral and slightly polar, at codon 1311 of the CUBN protein (p.Arg1311Trp). This variant is present in population databases (rs776683073, gnomAD 0.006%). This variant has not been reported in the literature in individuals affected with CUBN-related conditions. ClinVar contains an entry for this variant (Variation ID: 880351). Algorithms developed to predict the effect of missense changes on protein structure and function (SIFT, PolyPhen-2, Align-GVGD) all suggest that this variant is likely to be disruptive. In summary, the available evidence is currently insufficient to determine the role of this variant in disease. Therefore, it has been classified as a Variant of Uncertain Significance.

Illumina Laboratory Services, Illumina
Classification: Uncertain significance for Imerslund-Grasbeck syndrome type 1. Last evaluated: 2018-01-12. Review status: criteria provided, single submitter. Criteria: ICSL Variant Classification Criteria 13 December 2019. Collection method: clinical testing. Allele origin: germline.

NM_001081.4(CUBN):c.3931C>T (p.Arg1311Trp)

Gene: CUBN (cubilin; minus strand). Cytogenetic location: 10p13.
Variant type: single nucleotide variant.
Coding change: c.3931C>T on transcript NM_001081.4 (MANE Select); coding-DNA position 3931, C replaced by T.
Protein change: p.Arg1311Trp; replaces arginine 1311 with tryptophan.
Molecular consequence: missense variant.
Genome position (GRCh38, 1-based): chr10:17,041,119, G>A on the plus strand (C>T on the coding strand, the complement: CUBN is on the minus strand). VCF-style: chr10-17041119-G-A. GRCh37 (hg19) VCF-style: chr10-17083118-G-A.
Other names: short protein forms R1311W.
Identifiers: ClinVar variation 880351 (VCV000880351.7), dbSNP rs776683073, ClinGen allele CA5424533.